The following is an entry in ClinVar:

ClinVar aggregate classification (germline): Conflicting classifications of pathogenicity. Review status: criteria provided, conflicting classifications (1 of 4 stars). 2 submissions from 2 submitters: Uncertain significance (1); Likely benign (1). Last evaluated 2025-07-15.

gnomAD v4.1: 40 of 1,523,508 alleles (0.0026%); highest among the groups gnomAD compares: Non-Finnish European, 0.0035%; no homozygotes.

Submissions (2):

Quest Diagnostics Nichols Institute San Juan Capistrano
Classification: Uncertain significance. Last evaluated: 2025-07-15. Review status: criteria provided, single submitter. Criteria: Quest Diagnostics criteria. Collection method: clinical testing. Allele origin: unknown.
Comment: The FANCA c.-1C>A variant has been reported in the published literature in individuals with breast cancer (PMID: 23021409 (2013)). The frequency of this variant in the general population (Genome Aggregation Database) is uninformative in the assessment of its pathogenicity. Analysis of this variant using software algorithms for the prediction of the effect of nucleotide changes on splicing yielded predictions that this variant does not affect FANCA mRNA splicing. Based on the available information, we are unable to determine the clinical significance of this variant.

Blueprint Genetics
Classification: Likely benign. Last evaluated: 2024-10-03. Review status: criteria provided, single submitter. Criteria: ACMG Guidelines, 2015. Collection method: clinical testing. Allele origin: germline.

Literature cited by the submitters: PubMed 23021409 (cited by Quest Diagnostics Nichols Institute San Juan Capistrano).

NM_000135.4(FANCA):c.-1C>A

Genes: FANCA (FA complementation group A; minus strand), LOC112486223 (Sharpr-MPRA regulatory region 3988; plus strand). Cytogenetic location: 16q24.3.
Variant type: single nucleotide variant.
Coding change: c.-1C>A on transcript NM_000135.4 (MANE Select); 1 bases upstream of the start codon, C replaced by A.
Molecular consequence: 5 prime UTR variant.
Genome position (GRCh38, 1-based): chr16:89,816,616, G>T on the plus strand (C>A on the coding strand, the complement: FANCA is on the minus strand). VCF-style: chr16-89816616-G-T. GRCh37 (hg19) VCF-style: chr16-89883024-G-T.
Other names: c.-1C>A (NM_001018112.3, NM_001286167.3, NM_001351830.2).
Identifiers: ClinVar variation 4532861 (VCV004532861.2).
Genomic context (GRCh38, chr16:89,816,616, plus strand): 5'-CCTCCGGCGGCCCCCTGGGTCCTGGCCCGAGGCGGAGTTCGGGACCCACGAGTCGGACAT[G>T]GCCTTGGCGCCTACAGCCCCGGCGGCGGCTCCCTGCGCCCGAGCCCGCGCTGCCTTCCTA-3'